The following is an entry in ClinVar:

NM_152594.3(SPRED1):c.1257C>G (p.Cys419Trp)

Gene: SPRED1 (sprouty related EVH1 domain containing 1; plus strand). Cytogenetic location: 15q14.
Variant type: single nucleotide variant.
Coding change: c.1257C>G on transcript NM_152594.3 (MANE Select); coding-DNA position 1257, C replaced by G.
Protein change: p.Cys419Trp; replaces cysteine 419 with tryptophan.
Molecular consequence: missense variant.
Genome position (GRCh38, 1-based): chr15:38,351,586, C>G. VCF-style: chr15-38351586-C-G. GRCh37 (hg19) VCF-style: chr15-38643787-C-G.
Other names: short protein forms C419W.
Identifiers: ClinVar variation 4174044 (VCV004174044.1).

ClinVar aggregate classification (germline): Uncertain significance (1 of 4 stars; one submission).

Conditions:
Cardiovascular phenotype. Identifiers: MedGen CN230736.

Submission:

Ambry Genetics
Classification: Uncertain significance for Cardiovascular phenotype. Last evaluated: 2025-08-04. Review status: criteria provided, single submitter. Criteria: Ambry Variant Classification Scheme 2023. Collection method: clinical testing. Allele origin: germline.
Comment: The p.C419W variant (also known as c.1257C>G), located in coding exon 7 of the SPRED1 gene, results from a C to G substitution at nucleotide position 1257. The cysteine at codon 419 is replaced by tryptophan, an amino acid with highly dissimilar properties. This amino acid position is conserved. In addition, this alteration is predicted to be deleterious by in silico analysis. Based on the available evidence, the clinical significance of this variant remains unclear.